The following is an entry in ClinVar:

ClinVar aggregate classification (germline): Conflicting classifications of pathogenicity. Review status: criteria provided, conflicting classifications (1 of 4 stars). 3 submissions from 3 submitters: Uncertain significance (2); Likely benign (1). Last evaluated 2025-08-13.

Conditions:
Muscular dystrophy-dystroglycanopathy (congenital with brain and eye anomalies), type A, 7. Also called: WALKER-WARBURG SYNDROME OR MUSCLE-EYE-BRAIN DISEASE, ISPD-RELATED; Congenital muscular dystrophy-dystroglycanopathy with brain and eye anomalies, type A7. Identifiers: Orphanet 899, MedGen C3553330, MONDO:0013835, OMIM 614643.
Autosomal recessive limb-girdle muscular dystrophy type 2U. Also called: Muscular dystrophy-dystroglycanopathy (limb-girdle), type c, 7; MUSCULAR DYSTROPHY, LIMB-GIRDLE, TYPE 2U. Identifiers: Orphanet 352479, MedGen C5190987, MONDO:0014474, OMIM 616052.

Allele frequency attached by ClinVar (database versions not stated): ExAC 0.00001; gnomAD 0.00001; gnomAD exomes 0.00001; TOPMed 0.00001.

Submissions (3):

Ambry Genetics
Classification: Likely benign. Last evaluated: 2025-08-13. Review status: criteria provided, single submitter. Criteria: Ambry Variant Classification Scheme 2023. Collection method: clinical testing. Allele origin: germline.

Labcorp Genetics (formerly Invitae), Labcorp
Classification: Uncertain significance for Muscular dystrophy-dystroglycanopathy (congenital with brain and eye anomalies), type A, 7; Autosomal recessive limb-girdle muscular dystrophy type 2U. Last evaluated: 2025-06-27. Review status: criteria provided, single submitter. Criteria: Invitae Variant Classification Sherloc (09022015). Collection method: clinical testing. Allele origin: germline.
Comment: This sequence change replaces valine, which is neutral and non-polar, with isoleucine, which is neutral and non-polar, at codon 191 of the ISPD protein (p.Val191Ile). The frequency data for this variant in the population databases is considered unreliable, as metrics indicate poor data quality at this position in the gnomAD database. This variant has not been reported in the literature in individuals affected with ISPD-related conditions. ClinVar contains an entry for this variant (Variation ID: 1680780). Invitae Evidence Modeling of protein sequence and biophysical properties (such as structural, functional, and spatial information, amino acid conservation, physicochemical variation, residue mobility, and thermodynamic stability) indicates that this missense variant is not expected to disrupt ISPD protein function with a negative predictive value of 80%. In summary, the available evidence is currently insufficient to determine the role of this variant in disease. Therefore, it has been classified as a Variant of Uncertain Significance.

Revvity Omics, Revvity
Classification: Uncertain significance. Last evaluated: 2023-03-28. Review status: criteria provided, single submitter. Criteria: ACMG Guidelines, 2015. Collection method: clinical testing. Allele origin: germline.

NM_001101426.4(CRPPA):c.571G>A (p.Val191Ile)

Gene: CRPPA (CDP-L-ribitol pyrophosphorylase A; minus strand). Cytogenetic location: 7p21.2.
Variant type: single nucleotide variant.
Coding change: c.571G>A on transcript NM_001101426.4 (MANE Select); coding-DNA position 571, G replaced by A.
Protein change: p.Val191Ile; replaces valine 191 with isoleucine.
Molecular consequence: missense variant. On other transcripts: non-coding transcript variant (1), intron variant (1).
Genome position (GRCh38, 1-based): chr7:16,376,205, C>T on the plus strand (G>A on the coding strand, the complement: CRPPA is on the minus strand). VCF-style: chr7-16376205-C-T. GRCh37 (hg19) VCF-style: chr7-16415830-C-T.
Other names: c.571G>A (NM_001101426.3); c.571G>A, p.Val191Ile (NM_001368197.1); c.534+29856G>A (NM_001101417.4); short protein forms V191I.
Identifiers: ClinVar variation 1680780 (VCV001680780.11), dbSNP rs757165158, ClinGen allele CA4169567.